The following is an entry in ClinVar:

ClinVar aggregate classification (germline): Uncertain significance (0 of 4 stars; one submission).

Conditions:
alpha Thalassemia. Also called: Alpha thalassemia spectrum. Identifiers: Orphanet 846, MedGen C0002312, MONDO:0011399, OMIM 604131.

Submission:

Precision Medicine Lab Center, Yangjiang People's Hospital
Classification: Uncertain significance for alpha Thalassemia. Last evaluated: 2023-12-07. Review status: no assertion criteria provided. Collection method: clinical testing. Allele origin: germline. Affected: yes.
Comment: The HBA2 gene mutation c.287C>G changes the 287th base from C to G, resulting in an amino acid substitution from serine to tryptophan (p.Ser96Trp). This variant is not found in current databases.

NM_000517.6(HBA2):c.287C>G (p.Pro96Arg)

Genes: HBA2 (hemoglobin subunit alpha 2; plus strand), LOC106804612 (hemoglobin subunit alpha 2 recombination region; plus strand). Cytogenetic location: 16p13.3.
Variant type: single nucleotide variant.
Coding change: c.287C>G on transcript NM_000517.6 (MANE Select); coding-DNA position 287, C replaced by G.
Protein change: p.Pro96Arg; replaces proline 96 with arginine.
Molecular consequence: missense variant.
Genome position (GRCh38, 1-based): chr16:173,316, C>G. VCF-style: chr16-173316-C-G. GRCh37 (hg19) VCF-style: chr16-223315-C-G.
Other names: short protein forms P96R.
Identifiers: ClinVar variation 4280315 (VCV004280315.1).